The following is an entry in ClinVar:

ClinVar aggregate classification (germline): Likely pathogenic. Review status: criteria provided, multiple submitters, no conflicts (2 of 4 stars). 3 submissions from 3 submitters: Likely pathogenic (2). 1 of the submissions does not count toward it. Last evaluated 2025-05-29.

Conditions:
Autosomal recessive nonsyndromic hearing loss 2. Also called: DEAFNESS, AUTOSOMAL RECESSIVE 2; NEUROSENSORY NONSYNDROMIC RECESSIVE DEAFNESS 2. Identifiers: Orphanet 90636, MedGen C1838701, MONDO:0010807, OMIM 600060.
Usher syndrome type 1 (USH1). Also called: RETINITIS PIGMENTOSA AND CONGENITAL DEAFNESS. Identifiers: Orphanet 231169, Orphanet 886, MedGen C1568247, MONDO:0010168, OMIM 276900.
MYO7A-related disorder. Also called: MYO7A-related disorders.
Usher syndrome type 1B (USH1B). Also called: Usher syndrome type IB. Identifiers: MedGen C1848638, MONDO:0700087.

Allele frequency attached by ClinVar (database versions not stated): TOPMed below 0.00001.

Submissions (3):

Natera, Inc.
Classification: Likely pathogenic for Usher syndrome type 1B. Last evaluated: 2025-05-29. Review status: criteria provided, single submitter. Criteria: Natera Variant Classification Schema (03/2026). Collection method: clinical testing. Allele origin: germline.
Comment: The c.5488dup variant in MYO7A is a frameshift variant predicted to shift the reading frame beginning at codon 1830 and leads to a stop codon 81 codons downstream. This variant is expected to result in nonsense mediated decay, truncation, or a dysfunctional protein product. This variant is rare in the general population with a frequency below the threshold expected for the associated phenotype(s). Given the available evidence, this variant is classified as Likely Pathogenic.

PreventionGenetics, part of Exact Sciences
Classification: Likely pathogenic for MYO7A-related condition. Last evaluated: 2023-07-25. Review status: criteria provided, single submitter. Criteria: ACMG Guidelines, 2015. Collection method: clinical testing. Allele origin: germline.
Comment: The MYO7A c.5488dupG variant is predicted to result in a frameshift and premature protein termination (p.Glu1830Glyfs*81). To our knowledge, this variant has not been reported in the literature or in a large population database, indicating this variant is rare. Frameshift variants in MYO7A are expected to be pathogenic. This variant is interpreted as likely pathogenic.

Counsyl
Classification: Likely pathogenic for Usher syndrome type 1; Autosomal recessive nonsyndromic hearing loss 2. Last evaluated: 2017-08-08. Review status: no assertion criteria provided. Collection method: clinical testing. Allele origin: unknown. Not counted in ClinVar's aggregate classification.

NM_000260.4(MYO7A):c.5488dup (p.Glu1830fs)

Gene: MYO7A (myosin VIIA; plus strand). Cytogenetic location: 11q13.5.
Variant type: Duplication.
Coding change: c.5488dup on transcript NM_000260.4 (MANE Select); coding-DNA position 5488, one base duplicated (G; older notation c.5488dupG).
Protein change: p.Glu1830fs; shifts the reading frame from glutamic acid 1830.
Molecular consequence: frameshift variant.
Genome position (GRCh38, 1-based): chr11:77,205,469, G duplicated. VCF-style (leftmost placement, unchanged base first): chr11-77205468-C-CG. GRCh37 (hg19) VCF-style: chr11-76916513-C-CG.
Other names: c.5374dup, p.Glu1792fs (NM_001127180.2); c.5341dup, p.Glu1781fs (NM_001369365.1); c.5488dupG (NM_000260.3); c.5488dup (NM_000260.3); short protein forms E1792fs, E1830fs, E1781fs.
Identifiers: ClinVar variation 553211 (VCV000553211.5), dbSNP rs1555105135, ClinGen allele CA658822328.